The following is an entry in ClinVar:

ClinVar aggregate classification (germline): Uncertain significance (1 of 4 stars; one submission).

Conditions:
Mitochondrial complex II deficiency, nuclear type 1. Also called: SUCCINATE CoQ REDUCTASE DEFICIENCY. Identifiers: Orphanet 3208, MedGen C5700310, MONDO:0100294, OMIM 252011.
Pheochromocytoma/paraganglioma syndrome 5. Also called: Paragangliomas 5; SDHA-Related Hereditary Paraganglioma-Pheochromocytoma Syndrome. Identifiers: Orphanet 29072, MedGen C3279992, MONDO:0013602, OMIM 614165.

Submission:

Labcorp Genetics (formerly Invitae), Labcorp
Classification: Uncertain significance for Pheochromocytoma/paraganglioma syndrome 5; Mitochondrial complex II deficiency, nuclear type 1. Last evaluated: 2017-12-17. Review status: criteria provided, single submitter. Criteria: Invitae Variant Classification Sherloc (09022015). Collection method: clinical testing. Allele origin: germline.
Comment: This sequence change replaces isoleucine with threonine at codon 168 of the SDHA protein (p.Ile168Thr). The isoleucine residue is highly conserved and there is a moderate physicochemical difference between isoleucine and threonine. This variant is not present in population databases (ExAC no frequency). In summary, the available evidence is currently insufficient to determine the role of this variant in disease. Therefore, it has been classified as a Variant of Uncertain Significance. Algorithms developed to predict the effect of missense changes on protein structure and function (SIFT, PolyPhen-2, Align-GVGD) all suggest that this variant is likely to be disruptive, but these predictions have not been confirmed by published functional studies and their clinical significance is uncertain. This variant has not been reported in the literature in individuals with SDHA-related disease.

NM_004168.4(SDHA):c.503T>C (p.Ile168Thr)

Gene: SDHA (succinate dehydrogenase complex flavoprotein subunit A; plus strand). Cytogenetic location: 5p15.33.
Variant type: single nucleotide variant.
Coding change: c.503T>C on transcript NM_004168.4 (MANE Select); coding-DNA position 503, T replaced by C.
Protein change: p.Ile168Thr; replaces isoleucine 168 with threonine.
Molecular consequence: missense variant.
Genome position (GRCh38, 1-based): chr5:225,929, T>C. VCF-style: chr5-225929-T-C. GRCh37 (hg19) VCF-style: chr5-226044-T-C.
Other names: c.359T>C, p.Ile120Thr (NM_001294332.2); c.503T>C, p.Ile168Thr (NM_001330758.2); short protein forms I168T, I120T.
Identifiers: ClinVar variation 539667 (VCV000539667.9), dbSNP rs1553997748, ClinGen allele CA359010058.